The following is an entry in ClinVar:

ClinVar aggregate classification (germline): Pathogenic (1 of 4 stars; one submission).

Submission:

GeneDx
Classification: Pathogenic. Last evaluated: 2018-09-27. Review status: criteria provided, single submitter. Criteria: GeneDx Variant Classification (06012015). Collection method: clinical testing. Allele origin: germline. Affected: yes.
Comment: The c.1558_1559delGAinsT pathogenic variant in the POGZ gene causes a frameshift starting with codon Aspartic acid 520, changes this amino acid to a Phenylalanine residue and creates a premature Stop codon at position 7 of the new reading frame, denoted p.Asp520PhefsX7. This pathogenic variant is predicted to cause loss of normal protein function either through protein truncation or nonsense-mediated mRNA decay. The c.1558_1559delGAinsT variant is not observed in large population cohorts (Lek et al., 2016).

NM_015100.4(POGZ):c.1558_1559delinsT (p.Asp520fs)

Gene: POGZ (pogo transposable element derived with ZNF domain; minus strand). Cytogenetic location: 1q21.3.
Variant type: Indel.
Coding change: c.1558_1559delinsT on transcript NM_015100.4 (MANE Select); coding-DNA positions 1558 to 1559, GA replaced by T.
Protein change: p.Asp520fs; shifts the reading frame from aspartic acid 520.
Molecular consequence: frameshift variant.
Genome position (GRCh38, 1-based): chr1:151,423,516-151,423,517, TC replaced by A on the plus strand (GA replaced by T on the coding strand, the reverse complement: POGZ is on the minus strand). VCF-style: chr1-151423516-TC-A. GRCh37 (hg19) VCF-style: chr1-151395992-TC-A.
Other names: c.1531_1532delinsT, p.Asp511fs (NM_001194937.2); c.1372_1373delinsT, p.Asp458fs (NM_001194938.2); c.1273_1274delinsT, p.Asp425fs (NM_145796.4); c.1399_1400delinsT, p.Asp467fs (NM_207171.2); short protein forms D467fs, D520fs, D511fs, D425fs, D458fs.
Identifiers: ClinVar variation 817835 (VCV000817835.1), dbSNP rs1571427781, ClinGen allele CA915941420.